The following is an entry in ClinVar:

NM_019892.6(INPP5E):c.752G>A (p.Arg251His)

Gene: INPP5E (inositol polyphosphate-5-phosphatase E; minus strand). Cytogenetic location: 9q34.3.
Variant type: single nucleotide variant.
Coding change: c.752G>A on transcript NM_019892.6 (MANE Select); coding-DNA position 752, G replaced by A.
Protein change: p.Arg251His; replaces arginine 251 with histidine.
Molecular consequence: missense variant.
Genome position (GRCh38, 1-based): chr9:136,438,668, C>T on the plus strand (G>A on the coding strand, the complement: INPP5E is on the minus strand). VCF-style: chr9-136438668-C-T. GRCh37 (hg19) VCF-style: chr9-139333120-C-T.
Other names: c.752G>A, p.Arg251His (NM_001318502.2); short protein forms R251H.
Identifiers: ClinVar variation 2003933 (VCV002003933.4), dbSNP rs201792737, ClinGen allele CA375567745.

ClinVar aggregate classification (germline): Uncertain significance (1 of 4 stars; one submission).

Conditions:
Joubert syndrome. Also called: CEREBELLOPARENCHYMAL DISORDER IV; JOUBERT-BOLTSHAUSER SYNDROME; Familial aplasia of the vermis. Identifiers: Orphanet 475, MedGen C5979921, MONDO:0018772.

Submission:

Labcorp Genetics (formerly Invitae), Labcorp
Classification: Uncertain significance for Joubert syndrome. Last evaluated: 2022-06-09. Review status: criteria provided, single submitter. Criteria: Invitae Variant Classification Sherloc (09022015). Collection method: clinical testing. Allele origin: germline.
Comment: In summary, the available evidence is currently insufficient to determine the role of this variant in disease. Therefore, it has been classified as a Variant of Uncertain Significance. Advanced modeling of protein sequence and biophysical properties (such as structural, functional, and spatial information, amino acid conservation, physicochemical variation, residue mobility, and thermodynamic stability) performed at Invitae indicates that this missense variant is not expected to disrupt INPP5E protein function. This variant has not been reported in the literature in individuals affected with INPP5E-related conditions. This variant is not present in population databases (gnomAD no frequency). This sequence change replaces arginine, which is basic and polar, with histidine, which is basic and polar, at codon 251 of the INPP5E protein (p.Arg251His).